The following is an entry in ClinVar:

NM_007215.4(POLG2):c.463G>A (p.Glu155Lys)

Genes: MILR1 (mast cell immunoglobulin like receptor 1; plus strand), POLG2 (DNA polymerase gamma 2, accessory subunit; minus strand). Cytogenetic location: 17q23.3.
Variant type: single nucleotide variant.
Coding change: c.463G>A on transcript NM_007215.4 (MANE Select); coding-DNA position 463, G replaced by A.
Protein change: p.Glu155Lys; replaces glutamic acid 155 with lysine.
Molecular consequence: missense variant.
Genome position (GRCh38, 1-based): chr17:64,496,506, C>T on the plus strand (G>A on the coding strand, the complement: POLG2 is on the minus strand). VCF-style: chr17-64496506-C-T. GRCh37 (hg19) VCF-style: chr17-62492624-C-T.
Other names: short protein forms E155K.
Identifiers: ClinVar variation 4700779 (VCV004700779.1).

ClinVar aggregate classification (germline): Uncertain significance (1 of 4 stars; one submission).

gnomAD v4.1: 2 of 1,613,238 alleles (0.00012%); highest among the groups gnomAD compares: South Asian, 0.0022%; no homozygotes.

Submission:

Labcorp Genetics (formerly Invitae), Labcorp
Classification: Uncertain significance. Last evaluated: 2025-11-06. Review status: criteria provided, single submitter. Criteria: Invitae Variant Classification Sherloc (09022015). Collection method: clinical testing. Allele origin: germline.
Comment: This sequence change replaces glutamic acid, which is acidic and polar, with lysine, which is basic and polar, at codon 155 of the POLG2 protein (p.Glu155Lys). This variant is present in population databases (rs533614940, gnomAD 0.006%). This variant has not been reported in the literature in individuals affected with POLG2-related conditions. An algorithm developed to predict the effect of missense changes on protein structure and function (PolyPhen-2) suggests that this variant is likely to be tolerated. In summary, the available evidence is currently insufficient to determine the role of this variant in disease. Therefore, it has been classified as a Variant of Uncertain Significance.